The following is an entry in ClinVar:

NM_207346.3(TSEN54):c.1079C>T (p.Ala360Val)

Gene: TSEN54 (tRNA splicing endonuclease subunit 54; plus strand). Cytogenetic location: 17q25.1.
Variant type: single nucleotide variant.
Coding change: c.1079C>T on transcript NM_207346.3 (MANE Select); coding-DNA position 1079, C replaced by T.
Protein change: p.Ala360Val; replaces alanine 360 with valine.
Molecular consequence: missense variant.
Genome position (GRCh38, 1-based): chr17:75,522,160, C>T. VCF-style: chr17-75522160-C-T. GRCh37 (hg19) VCF-style: chr17-73518241-C-T.
Other names: short protein forms A360V.
Identifiers: ClinVar variation 805689 (VCV000805689.37), dbSNP rs368377822, ClinGen allele CA8764344.

ClinVar aggregate classification (germline): Conflicting classifications of pathogenicity. Review status: criteria provided, conflicting classifications (1 of 4 stars). 5 submissions from 5 submitters: Uncertain significance (1); Benign (1); Likely benign (3). Last evaluated 2026-02-04.

Conditions:
Pontoneocerebellar hypoplasia. Also called: Pontocerebellar hypoplasia; Non-syndromic pontocerebellar hypoplasia. Identifiers: Orphanet 98523, MedGen C1261175, MONDO:0020135.

Allele frequency attached by ClinVar (database versions not stated): 1000 Genomes Project 30x 0.00016; ESP Exome Variant Server 0.00016; gnomAD 0.00017 and 0.00019; 1000 Genomes Project 0.00020; TOPMed 0.00023; ExAC 0.00080.
gnomAD v4.1: 215 of 1,554,888 alleles (0.014%); highest among the groups gnomAD compares: Admixed American, 0.057%; 1 homozygote.

Submissions (5):

Labcorp Genetics (formerly Invitae), Labcorp
Classification: Likely benign. Last evaluated: 2026-02-04. Review status: criteria provided, single submitter. Criteria: Invitae Variant Classification Sherloc (09022015). Collection method: clinical testing. Allele origin: germline.

Athena Diagnostics
Classification: Benign. Last evaluated: 2025-04-16. Review status: criteria provided, single submitter. Criteria: Athena Diagnostics Criteria. Collection method: clinical testing. Allele origin: unknown.
Comment: The frequency of this variant in the general population is higher than would generally be expected for pathogenic variants in this gene. Computational tools predict this amino acid change may be benign.

CeGaT Center for Human Genetics Tuebingen
Classification: Likely benign. Last evaluated: 2022-11-01. Review status: criteria provided, single submitter. Criteria: CeGaT Center For Human Genetics Tuebingen Variant Classification Criteria Version 2. Collection method: clinical testing. Allele origin: germline. Affected: yes. Observed: 1 variant allele.
Comment: TSEN54: BP4

GeneDx
Classification: Likely benign. Last evaluated: 2020-03-03. Review status: criteria provided, single submitter. Criteria: GeneDx Variant Classification Process June 2021. Collection method: clinical testing. Allele origin: germline. Affected: yes.

Illumina Laboratory Services, Illumina
Classification: Uncertain significance for Pontoneocerebellar hypoplasia. Last evaluated: 2018-01-12. Review status: criteria provided, single submitter. Criteria: ICSL Variant Classification Criteria 13 December 2019. Collection method: clinical testing. Allele origin: germline.